The following is an entry in ClinVar:

NM_015294.6(TRIM37):c.617-5A>G

Gene: TRIM37 (tripartite motif containing 37; minus strand). Cytogenetic location: 17q22.
Variant type: single nucleotide variant.
Coding change: c.617-5A>G on transcript NM_015294.6 (MANE Select); 5 bases into the intron before coding-DNA position 617, A replaced by G.
Molecular consequence: intron variant.
Genome position (GRCh38, 1-based): chr17:59,075,719, T>C on the plus strand (A>G on the coding strand, the complement: TRIM37 is on the minus strand). VCF-style: chr17-59075719-T-C. GRCh37 (hg19) VCF-style: chr17-57153080-T-C.
Other names: c.617-5A>G (NM_001320989.3, NM_001005207.5, NM_001353086.2 and 3 more transcripts); c.155-5A>G (NM_001353085.2); c.515-5A>G (NM_001320987.3, NM_001353082.2); c.-136-5A>G (NM_001353083.2); c.251-5A>G (NM_001320990.3).
Identifiers: ClinVar variation 383341 (VCV000383341.9), dbSNP rs367941312, ClinGen allele CA8678561.

ClinVar aggregate classification (germline): Likely benign. Review status: criteria provided, multiple submitters, no conflicts (2 of 4 stars). 3 submissions from 3 submitters: Likely benign (3). Last evaluated 2026-02-26.

Conditions:
TRIM37-related disorder. Also called: TRIM37-related condition.

Allele frequency attached by ClinVar (database versions not stated): gnomAD 0.00001; TOPMed 0.00001; gnomAD exomes 0.00004 and 0.00005; ExAC 0.00005; ESP Exome Variant Server 0.00008.
gnomAD v4.1: 55 of 1,600,744 alleles (0.0034%); highest among the groups gnomAD compares: South Asian, 0.046%; no homozygotes.

Submissions (3):

PreventionGenetics, part of Exact Sciences
Classification: Likely benign for TRIM37-related condition. Last evaluated: 2026-02-26. Review status: criteria provided, single submitter. Criteria: ACMG Guidelines, 2015. Collection method: clinical testing. Allele origin: germline.
Comment: This variant is classified as likely benign based on ACMG/AMP sequence variant interpretation guidelines (Richards et al. 2015 PMID: 25741868, with internal and published modifications).

Labcorp Genetics (formerly Invitae), Labcorp
Classification: Likely benign. Last evaluated: 2024-11-11. Review status: criteria provided, single submitter. Criteria: Invitae Variant Classification Sherloc (09022015). Collection method: clinical testing. Allele origin: germline.

GeneDx
Classification: Likely benign. Last evaluated: 2016-02-21. Review status: criteria provided, single submitter. Criteria: GeneDx Variant Classification (06012015). Collection method: clinical testing. Allele origin: germline. Affected: yes.
Comment: This variant is considered likely benign or benign based on one or more of the following criteria: it is a conservative change, it occurs at a poorly conserved position in the protein, it is predicted to be benign by multiple in silico algorithms, and/or has population frequency not consistent with disease.